The following is an entry in ClinVar:

NM_033026.6(PCLO):c.11959A>G (p.Met3987Val)

Gene: PCLO (piccolo presynaptic cytomatrix protein; minus strand). Cytogenetic location: 7q21.11.
Variant type: single nucleotide variant.
Coding change: c.11959A>G on transcript NM_033026.6 (MANE Select); coding-DNA position 11959, A replaced by G.
Protein change: p.Met3987Val; replaces methionine 3987 with valine.
Molecular consequence: missense variant.
Genome position (GRCh38, 1-based): chr7:82,916,027, T>C on the plus strand (A>G on the coding strand, the complement: PCLO is on the minus strand). VCF-style: chr7-82916027-T-C. GRCh37 (hg19) VCF-style: chr7-82545343-T-C.
Other names: c.11959A>G, p.Met3987Val (NM_014510.3); short protein forms M3987V.
Identifiers: ClinVar variation 1367908 (VCV001367908.8), dbSNP rs1442327950, ClinGen allele CA367890808.
Genomic context (GRCh38, chr7:82,916,027, plus strand): 5'-TGTACTTACTACCAAGATGGGAAACAGCAAATGTGTTATCCGTAGAAACAGGTGCTATCA[T>C]AAGGGGTTGGTTGCGAATCACTTCATAGTTTGAGGTTATCTTGGGCTCCAAATATAATGT-3'
Protein context (NP_149015.2, residues 3977-3997): NYEVIRNQPL[Met3987Val]IAPVSTDNTF

ClinVar aggregate classification (germline): Uncertain significance (1 of 4 stars; one submission).

Allele frequency attached by ClinVar (database versions not stated): gnomAD exomes below 0.00001; TOPMed 0.00001.
gnomAD v4.1: 1 of 1,612,908 alleles (0.000062%); highest among the groups gnomAD compares: South Asian, 0.0011%; no homozygotes.

Submission:

Labcorp Genetics (formerly Invitae), Labcorp
Classification: Uncertain significance. Last evaluated: 2021-01-30. Review status: criteria provided, single submitter. Criteria: Invitae Variant Classification Sherloc (09022015). Collection method: clinical testing. Allele origin: germline.
Comment: This sequence change replaces methionine with valine at codon 3987 of the PCLO protein (p.Met3987Val). The methionine residue is moderately conserved and there is a small physicochemical difference between methionine and valine. This variant is not present in population databases (ExAC no frequency). This variant has not been reported in the literature in individuals with PCLO-related conditions. Algorithms developed to predict the effect of missense changes on protein structure and function are either unavailable or do not agree on the potential impact of this missense change (SIFT: "Deleterious"; PolyPhen-2: "Not Available"; Align-GVGD: "Class C0"). In summary, the available evidence is currently insufficient to determine the role of this variant in disease. Therefore, it has been classified as a Variant of Uncertain Significance.